The following is an entry in ClinVar:

NM_001256789.3(CACNA1F):c.5386T>C (p.Cys1796Arg)

Gene: CACNA1F (calcium voltage-gated channel subunit alpha1 F; minus strand). Cytogenetic location: Xp11.23.
Variant type: single nucleotide variant.
Coding change: c.5386T>C on transcript NM_001256789.3 (MANE Select); coding-DNA position 5386, T replaced by C.
Protein change: p.Cys1796Arg; replaces cysteine 1796 with arginine.
Molecular consequence: missense variant.
Genome position (GRCh38, 1-based): chrX:49,206,597, A>G on the plus strand (T>C on the coding strand, the complement: CACNA1F is on the minus strand). VCF-style: chrX-49206597-A-G. GRCh37 (hg19) VCF-style: chrX-49063058-A-G.
Other names: c.5224T>C, p.Cys1742Arg (NM_001256790.3); c.5419T>C, p.Cys1807Arg (NM_005183.4); short protein forms C1742R, C1796R, C1807R.
Identifiers: ClinVar variation 1013918 (VCV001013918.8), dbSNP rs374789196, ClinGen allele CA10409985.

ClinVar aggregate classification (germline): Uncertain significance (1 of 4 stars; one submission).

Allele frequency attached by ClinVar (database versions not stated): ExAC 0.00001; gnomAD exomes 0.00001; gnomAD 0.00002; TOPMed 0.00005; ESP Exome Variant Server 0.00009.
gnomAD v4.1: 8 of 1,206,515 alleles (0.00066%); highest among the groups gnomAD compares: African/African-American, 0.0035%; no homozygotes.

Submission:

Labcorp Genetics (formerly Invitae), Labcorp
Classification: Uncertain significance. Last evaluated: 2024-01-02. Review status: criteria provided, single submitter. Criteria: Invitae Variant Classification Sherloc (09022015). Collection method: clinical testing. Allele origin: germline.
Comment: This sequence change replaces cysteine, which is neutral and slightly polar, with arginine, which is basic and polar, at codon 1807 of the CACNA1F protein (p.Cys1807Arg). This variant is present in population databases (rs374789196, gnomAD 0.008%). This variant has not been reported in the literature in individuals affected with CACNA1F-related conditions. ClinVar contains an entry for this variant (Variation ID: 1013918). An algorithm developed to predict the effect of missense changes on protein structure and function (PolyPhen-2) suggests that this variant is likely to be tolerated. In summary, the available evidence is currently insufficient to determine the role of this variant in disease. Therefore, it has been classified as a Variant of Uncertain Significance.